The following is an entry in ClinVar:

ClinVar aggregate classification (germline): Uncertain significance. Review status: criteria provided, multiple submitters, no conflicts (2 of 4 stars). 2 submissions from 2 submitters: Uncertain significance (2). Last evaluated 2025-02-14.

Conditions:
ITGB3-related disorder. Also called: ITGB3-related condition.
Inborn genetic diseases. Identifiers: MedGen C0950123, MeSH D030342.

Allele frequency attached by ClinVar (database versions not stated): gnomAD exomes 0.00001; TOPMed 0.00003; gnomAD 0.00005.
gnomAD v4.1: 24 of 1,613,944 alleles (0.0015%); highest among the groups gnomAD compares: African/African-American, 0.029%; no homozygotes.

Submissions (2):

PreventionGenetics, part of Exact Sciences
Classification: Uncertain significance for ITGB3-related condition. Last evaluated: 2025-02-14. Review status: criteria provided, single submitter. Criteria: ACMG Guidelines, 2015. Collection method: clinical testing. Allele origin: germline.
Comment: The ITGB3 c.2056G>A variant is predicted to result in the amino acid substitution p.Glu686Lys. To our knowledge, this variant has not been reported in the literature. This variant is reported in 0.012% of alleles in individuals of African descent in gnomAD. At this time, the clinical significance of this variant is uncertain due to the absence of conclusive functional and genetic evidence.

Ambry Genetics
Classification: Uncertain significance for Inborn genetic diseases. Last evaluated: 2023-06-21. Review status: criteria provided, single submitter. Criteria: Ambry Variant Classification Scheme 2023. Collection method: clinical testing. Allele origin: germline.

NM_000212.3(ITGB3):c.2056G>A (p.Glu686Lys)

Gene: ITGB3 (integrin subunit beta 3; plus strand). Cytogenetic location: 17q21.32.
Variant type: single nucleotide variant.
Coding change: c.2056G>A on transcript NM_000212.3 (MANE Select); coding-DNA position 2056, G replaced by A.
Protein change: p.Glu686Lys; replaces glutamic acid 686 with lysine.
Molecular consequence: missense variant.
Genome position (GRCh38, 1-based): chr17:47,302,762, G>A. VCF-style: chr17-47302762-G-A. GRCh37 (hg19) VCF-style: chr17-45380128-G-A.
Other names: short protein forms E686K.
Identifiers: ClinVar variation 2597497 (VCV002597497.3), dbSNP rs867459530, ClinGen allele CA291228133.